The following is an entry in ClinVar:

NM_020791.4(TAOK1):c.1856A>G (p.Lys619Arg)

Gene: TAOK1 (TAO kinase 1; plus strand). Cytogenetic location: 17q11.2.
Variant type: single nucleotide variant.
Coding change: c.1856A>G on transcript NM_020791.4 (MANE Select); coding-DNA position 1856, A replaced by G.
Protein change: p.Lys619Arg; replaces lysine 619 with arginine.
Molecular consequence: missense variant. On other transcripts: intron variant (1).
Genome position (GRCh38, 1-based): chr17:29,517,604, A>G. VCF-style: chr17-29517604-A-G. GRCh37 (hg19) VCF-style: chr17-27844622-A-G.
Other names: c.1704+6612A>G (NM_025142.1); short protein forms K619R.
Identifiers: ClinVar variation 3893330 (VCV003893330.1).
Genomic context (GRCh38, chr17:29,517,604, plus strand): 5'-AAGAAGCTAACCTTCTTCGACGTCAAAGACAATACCTAGAGCTGGAATGCCGTCGCTTCA[A>G]GAGAAGAATGTTACTTGGGCGTCATAACTTAGAGCAGGACCTTGTCAGGGAGGTAAGTTT-3'
Protein context (NP_065842.1, residues 609-629): QYLELECRRF[Lys619Arg]RRMLLGRHNL

ClinVar aggregate classification (germline): Uncertain significance (1 of 4 stars; one submission).

gnomAD v4.1: 1 of 1,613,508 alleles (0.000062%); highest among the groups gnomAD compares: Non-Finnish European, 0.000085%; no homozygotes.

Submission:

GeneDx
Classification: Uncertain significance. Last evaluated: 2024-10-22. Review status: criteria provided, single submitter. Criteria: GeneDx Variant Classification Process June 2021. Collection method: clinical testing. Allele origin: germline. Affected: yes.
Comment: Not observed at significant frequency in large population cohorts (gnomAD); In silico analysis indicates that this missense variant does not alter protein structure/function; Has not been previously published as pathogenic or benign to our knowledge